The following is an entry in ClinVar:

ClinVar aggregate classification (germline): Uncertain significance (1 of 4 stars; one submission).

gnomAD v4.1: 6 of 1,607,788 alleles (0.00037%); highest among the groups gnomAD compares: Non-Finnish European, 0.00051%; no homozygotes.

Submission:

GeneDx
Classification: Uncertain significance. Last evaluated: 2025-03-04. Review status: criteria provided, single submitter. Criteria: GeneDx Variant Classification Process June 2021. Collection method: clinical testing. Allele origin: germline. Affected: yes.
Comment: Not observed at significant frequency in large population cohorts (gnomAD); In silico analysis indicates that this missense variant does not alter protein structure/function; Has not been previously published as pathogenic or benign to our knowledge

NM_133259.4(LRPPRC):c.2653C>G (p.Gln885Glu)

Gene: LRPPRC (leucine rich pentatricopeptide repeat containing; minus strand). Cytogenetic location: 2p21.
Variant type: single nucleotide variant.
Coding change: c.2653C>G on transcript NM_133259.4 (MANE Select); coding-DNA position 2653, C replaced by G.
Protein change: p.Gln885Glu; replaces glutamine 885 with glutamic acid.
Molecular consequence: missense variant.
Genome position (GRCh38, 1-based): chr2:43,934,273, G>C on the plus strand (C>G on the coding strand, the complement: LRPPRC is on the minus strand). VCF-style: chr2-43934273-G-C. GRCh37 (hg19) VCF-style: chr2-44161412-G-C.
Other names: short protein forms Q885E.
Identifiers: ClinVar variation 4082623 (VCV004082623.1).